The following is an entry in ClinVar:

ClinVar aggregate classification (germline): Benign/Likely benign. Review status: criteria provided, multiple submitters, no conflicts (2 of 4 stars). 4 submissions from 4 submitters: Benign (1); Likely benign (3). Last evaluated 2026-07-01.

Allele frequency attached by ClinVar (database versions not stated): 1000 Genomes Project 0.00160; TOPMed 0.00257; gnomAD 0.00280; ESP Exome Variant Server 0.00284; 1000 Genomes Project 30x 0.00141.
gnomAD v4.1: 5,599 of 1,614,160 alleles (0.35%); highest among the groups gnomAD compares: Non-Finnish European, 0.41%; 17 homozygotes.

Submissions (4):

CeGaT Center for Human Genetics Tuebingen
Classification: Likely benign. Last evaluated: 2026-07-01. Review status: criteria provided, single submitter. Criteria: CeGaT Center For Human Genetics Tuebingen Variant Classification Criteria Version 2. Collection method: clinical testing. Allele origin: germline. Affected: yes. Observed: 26 variant alleles.
Comment: ANK3: BP4, BP7, BS2

Labcorp Genetics (formerly Invitae), Labcorp
Classification: Benign. Last evaluated: 2026-01-28. Review status: criteria provided, single submitter. Criteria: Invitae Variant Classification Sherloc (09022015). Collection method: clinical testing. Allele origin: germline.

Genetic Services Laboratory, University of Chicago
Classification: Likely benign. Last evaluated: 2017-01-03. Review status: criteria provided, single submitter. Criteria: ACMG Guidelines, 2015. Collection method: clinical testing. Allele origin: germline. Affected: no.

Breakthrough Genomics
Classification: Likely benign. Review status: criteria provided, single submitter. Criteria: ACMG Guidelines, 2015. Collection method: not provided. Allele origin: germline. Inheritance: Autosomal recessive inheritance. Affected: yes.

NM_020987.5(ANK3):c.2103C>T (p.Leu701=)

Gene: ANK3 (ankyrin 3; minus strand). Cytogenetic location: 10q21.2.
Variant type: single nucleotide variant.
Coding change: c.2103C>T on transcript NM_020987.5 (MANE Select); coding-DNA position 2103, C replaced by T.
Protein change: p.Leu701=; no amino-acid change (leucine 701 retained).
Molecular consequence: synonymous variant.
Genome position (GRCh38, 1-based): chr10:60,181,410, G>A on the plus strand (C>T on the coding strand, the complement: ANK3 is on the minus strand). VCF-style: chr10-60181410-G-A. GRCh37 (hg19) VCF-style: chr10-61941168-G-A.
Other names: c.2085C>T, p.Leu695= (NM_001204403.2); c.2052C>T, p.Leu684= (NM_001204404.2); c.2103C>T, p.Leu701= (NM_001320874.2).
Identifiers: ClinVar variation 210148 (VCV000210148.50), dbSNP rs142415903, ClinGen allele CA205996.